The following is an entry in ClinVar:

NM_031310.3(PLVAP):c.896G>A (p.Arg299His)

Gene: PLVAP (plasmalemma vesicle associated protein; minus strand). Cytogenetic location: 19p13.11.
Variant type: single nucleotide variant.
Coding change: c.896G>A on transcript NM_031310.3 (MANE Select); coding-DNA position 896, G replaced by A.
Protein change: p.Arg299His; replaces arginine 299 with histidine.
Molecular consequence: missense variant.
Genome position (GRCh38, 1-based): chr19:17,365,569, C>T on the plus strand (G>A on the coding strand, the complement: PLVAP is on the minus strand). VCF-style: chr19-17365569-C-T. GRCh37 (hg19) VCF-style: chr19-17476378-C-T.
Other names: short protein forms R299H.
Identifiers: ClinVar variation 2192768 (VCV002192768.2), dbSNP rs138584008, ClinGen allele CA9293933.

ClinVar aggregate classification (germline): Uncertain significance (1 of 4 stars; one submission).

Allele frequency attached by ClinVar (database versions not stated): gnomAD 0.00001; gnomAD exomes 0.00003; ExAC 0.00008; ESP Exome Variant Server 0.00015.

Submission:

Labcorp Genetics (formerly Invitae), Labcorp
Classification: Uncertain significance. Last evaluated: 2022-10-18. Review status: criteria provided, single submitter. Criteria: Invitae Variant Classification Sherloc (09022015). Collection method: clinical testing. Allele origin: germline.
Comment: In summary, the available evidence is currently insufficient to determine the role of this variant in disease. Therefore, it has been classified as a Variant of Uncertain Significance. Advanced modeling of protein sequence and biophysical properties (such as structural, functional, and spatial information, amino acid conservation, physicochemical variation, residue mobility, and thermodynamic stability) performed at Invitae indicates that this missense variant is not expected to disrupt PLVAP protein function. This variant has not been reported in the literature in individuals affected with PLVAP-related conditions. This variant is present in population databases (rs138584008, gnomAD 0.01%). This sequence change replaces arginine, which is basic and polar, with histidine, which is basic and polar, at codon 299 of the PLVAP protein (p.Arg299His).